The following is an entry in ClinVar:

NM_139058.3(ARX):c.838G>C (p.Ala280Pro)

Gene: ARX (aristaless related homeobox; minus strand). Cytogenetic location: Xp21.3.
Variant type: single nucleotide variant.
Coding change: c.838G>C on transcript NM_139058.3 (MANE Select); coding-DNA position 838, G replaced by C.
Protein change: p.Ala280Pro; replaces alanine 280 with proline.
Molecular consequence: missense variant.
Genome position (GRCh38, 1-based): chrX:25,013,157, C>G on the plus strand (G>C on the coding strand, the complement: ARX is on the minus strand). VCF-style: chrX-25013157-C-G. GRCh37 (hg19) VCF-style: chrX-25031274-C-G.
Other names: short protein forms A280P.
Identifiers: ClinVar variation 2114847 (VCV002114847.4), dbSNP rs2519106530, ClinGen allele CA412612335.

ClinVar aggregate classification (germline): Uncertain significance (1 of 4 stars; one submission).

Conditions:
Developmental and epileptic encephalopathy, 1 (DEE1). Also called: Epileptic encephalopathy, early infantile, 1; X-linked infantile spasms; West's syndrome; Tonic spasms with clustering, arrest of psychomotor development and hypsarrhythmia on EEG; X-Linked Infantile Spasm Syndrome; OHTAHARA SYNDROME, X-LINKED. Identifiers: MedGen C3463992, MONDO:0010632, OMIM 308350. Disease mechanism: loss of function.
Intellectual disability, X-linked, with or without seizures, ARX-related. Also called: INTELLECTUAL DEVELOPMENTAL DISORDER, X-LINKED 29; MENTAL RETARDATION, X-LINKED 29; MENTAL RETARDATION, X-LINKED 32; MENTAL RETARDATION, X-LINKED 33; MENTAL RETARDATION, X-LINKED 38; MENTAL RETARDATION, X-LINKED 43. Identifiers: Orphanet 777, MedGen C0796244, MONDO:0010317, OMIM 300419.

Submission:

Labcorp Genetics (formerly Invitae), Labcorp
Classification: Uncertain significance for Developmental and epileptic encephalopathy, 1; Intellectual disability, X-linked, with or without seizures, ARX-related. Last evaluated: 2022-08-09. Review status: criteria provided, single submitter. Criteria: Invitae Variant Classification Sherloc (09022015). Collection method: clinical testing. Allele origin: germline.
Comment: In summary, the available evidence is currently insufficient to determine the role of this variant in disease. Therefore, it has been classified as a Variant of Uncertain Significance. Advanced modeling of protein sequence and biophysical properties (such as structural, functional, and spatial information, amino acid conservation, physicochemical variation, residue mobility, and thermodynamic stability) performed at Invitae indicates that this missense variant is not expected to disrupt ARX protein function. This variant has not been reported in the literature in individuals affected with ARX-related conditions. This variant is not present in population databases (gnomAD no frequency). This sequence change replaces alanine, which is neutral and non-polar, with proline, which is neutral and non-polar, at codon 280 of the ARX protein (p.Ala280Pro).